The following is an entry in ClinVar:

NM_206933.4(USH2A):c.2878_2879del (p.Asn960fs)

Genes: USH2A (usherin; minus strand), USH2A-AS1 (USH2A antisense RNA 1; plus strand). Cytogenetic location: 1q41.
Variant type: Deletion.
Coding change: c.2878_2879del on transcript NM_206933.4 (MANE Select); coding-DNA positions 2878 to 2879, 2 bases deleted (AA; older notation c.2878_2879delAA).
Protein change: p.Asn960fs; shifts the reading frame from asparagine 960.
Molecular consequence: frameshift variant.
Genome position (GRCh38, 1-based): chr1:216,232,067-216,232,068, TT deleted on the plus strand (AA on the coding strand, the reverse complement: USH2A is on the minus strand). VCF-style (leftmost placement, unchanged base first): chr1-216232066-ATT-A. GRCh37 (hg19) VCF-style: chr1-216405408-ATT-A.
Other names: c.2878_2879del, p.Asn960fs (NM_007123.6); short protein forms N960fs.
Identifiers: ClinVar variation 1441259 (VCV001441259.7), dbSNP rs2102522326, ClinGen allele CA2573132790.

ClinVar aggregate classification (germline): Pathogenic. Review status: criteria provided, multiple submitters, no conflicts (2 of 4 stars). 2 submissions from 2 submitters: Pathogenic (2). Last evaluated 2023-03-21.

Conditions:
USH2A-related disorder. Also called: USH2A-related disorders; USH2A-related condition. Identifiers: MedGen CN239332.

Submissions (2):

Labcorp Genetics (formerly Invitae), Labcorp
Classification: Pathogenic. Last evaluated: 2023-03-21. Review status: criteria provided, single submitter. Criteria: Invitae Variant Classification Sherloc (09022015). Collection method: clinical testing. Allele origin: germline.
Comment: For these reasons, this variant has been classified as Pathogenic. ClinVar contains an entry for this variant (Variation ID: 1441259). This premature translational stop signal has been observed in individual(s) with Usher syndrome (PMID: 10909849). This variant is not present in population databases (gnomAD no frequency). This sequence change creates a premature translational stop signal (p.Asn960Serfs*4) in the USH2A gene. It is expected to result in an absent or disrupted protein product. Loss-of-function variants in USH2A are known to be pathogenic (PMID: 10729113, 10909849, 20507924, 25649381).

Blueprint Genetics
Classification: Pathogenic for USH2A-related disorders. Last evaluated: 2020-09-25. Review status: criteria provided, single submitter. Criteria: ACMG Guidelines, 2015. Collection method: clinical testing. Allele origin: germline. Affected: yes. Observed: 2 variant alleles.

Literature cited by the submitters: PubMed 10909849 (cited by Labcorp Genetics (formerly Invitae), Labcorp); PubMed 10729113 (cited by Labcorp Genetics (formerly Invitae), Labcorp); PubMed 20507924 (cited by Labcorp Genetics (formerly Invitae), Labcorp); PubMed 25649381 (cited by Labcorp Genetics (formerly Invitae), Labcorp).